The following is an entry in ClinVar:

NM_001375524.1(TRRAP):c.8057T>A (p.Met2686Lys)

Gene: TRRAP (transformation/transcription domain associated protein; plus strand). Cytogenetic location: 7q22.1.
Variant type: single nucleotide variant.
Coding change: c.8057T>A on transcript NM_001375524.1 (MANE Select); coding-DNA position 8057, T replaced by A.
Protein change: p.Met2686Lys; replaces methionine 2686 with lysine.
Molecular consequence: missense variant.
Genome position (GRCh38, 1-based): chr7:98,976,580, T>A. VCF-style: chr7-98976580-T-A. GRCh37 (hg19) VCF-style: chr7-98574203-T-A.
Other names: c.7982T>A, p.Met2661Lys (NM_003496.4); c.8036T>A, p.Met2679Lys (NM_001244580.2); short protein forms M2661K, M2679K, M2686K.
Identifiers: ClinVar variation 3605653 (VCV003605653.2).

ClinVar aggregate classification (germline): Uncertain significance (1 of 4 stars; one submission).

Submission:

Labcorp Genetics (formerly Invitae), Labcorp
Classification: Uncertain significance. Last evaluated: 2025-05-19. Review status: criteria provided, single submitter. Criteria: Invitae Variant Classification Sherloc (09022015). Collection method: clinical testing. Allele origin: germline.
Comment: This sequence change replaces methionine, which is neutral and non-polar, with lysine, which is basic and polar, at codon 2661 of the TRRAP protein (p.Met2661Lys). This variant is not present in population databases (gnomAD no frequency). This variant has not been reported in the literature in individuals affected with TRRAP-related conditions. ClinVar contains an entry for this variant (Variation ID: 3605653). Invitae Evidence Modeling of protein sequence and biophysical properties (such as structural, functional, and spatial information, amino acid conservation, physicochemical variation, residue mobility, and thermodynamic stability) has been performed for this missense variant. However, the output from this modeling did not meet the statistical confidence thresholds required to predict the impact of this variant on TRRAP protein function. In summary, the available evidence is currently insufficient to determine the role of this variant in disease. Therefore, it has been classified as a Variant of Uncertain Significance.